The following is an entry in ClinVar:

ClinVar aggregate classification (germline): Pathogenic (1 of 4 stars; one submission).

Conditions:
PGM1-congenital disorder of glycosylation. Also called: PHOSPHOGLUCOMUTASE 1 DEFICIENCY; PGM1 DEFICIENCY; GLYCOGEN STORAGE DISEASE XIV; GSD XIV; CDG It; Congenital disorder of glycosylation type 1t. Identifiers: Orphanet 319646, MedGen C2752015, MONDO:0013968, OMIM 614921.

gnomAD v4.1: 3 of 1,613,800 alleles (0.00019%); highest among the groups gnomAD compares: Non-Finnish European, 0.00025%; no homozygotes.

Submission:

Labcorp Genetics (formerly Invitae), Labcorp
Classification: Pathogenic for PGM1-congenital disorder of glycosylation. Last evaluated: 2025-12-24. Review status: criteria provided, single submitter. Criteria: Invitae Variant Classification Sherloc (09022015). Collection method: clinical testing. Allele origin: germline.
Comment: This sequence change creates a premature translational stop signal (p.Lys105*) in the PGM1 gene. It is expected to result in an absent or disrupted protein product. Loss-of-function variants in PGM1 are known to be pathogenic (PMID: 22492991). This variant is present in population databases (no rsID available, gnomAD 0.0009%). This premature translational stop signal has been observed in individual(s) with PGM1-related conditions (PMID: 33413482). For these reasons, this variant has been classified as Pathogenic.

Literature cited by the submitters: PubMed 22492991; PubMed 33413482.

NM_002633.3(PGM1):c.313A>T (p.Lys105Ter)

Gene: PGM1 (phosphoglucomutase 1; plus strand). Cytogenetic location: 1p31.3.
Variant type: single nucleotide variant.
Coding change: c.313A>T on transcript NM_002633.3 (MANE Select); coding-DNA position 313, A replaced by T.
Protein change: p.Lys105Ter; replaces lysine 105 with a stop codon.
Molecular consequence: nonsense. On other transcripts: 5 prime UTR variant (1).
Genome position (GRCh38, 1-based): chr1:63,629,491, A>T. VCF-style: chr1-63629491-A-T. GRCh37 (hg19) VCF-style: chr1-64095162-A-T.
Other names: c.367A>T, p.Lys123Ter (NM_001172818.1); c.-279A>T (NM_001172819.2); short protein forms K105*, K123*.
Identifiers: ClinVar variation 4750835 (VCV004750835.1).